The following is an entry in ClinVar:

NM_000204.5(CFI):c.1184C>T (p.Thr395Ile)

Gene: CFI (complement factor I; minus strand). Cytogenetic location: 4q25.
Variant type: single nucleotide variant.
Coding change: c.1184C>T on transcript NM_000204.5 (MANE Select); coding-DNA position 1184, C replaced by T.
Protein change: p.Thr395Ile; replaces threonine 395 with isoleucine.
Molecular consequence: missense variant. On other transcripts: non-coding transcript variant (2).
Genome position (GRCh38, 1-based): chr4:109,746,467, G>A on the plus strand (C>T on the coding strand, the complement: CFI is on the minus strand). VCF-style: chr4-109746467-G-A. GRCh37 (hg19) VCF-style: chr4-110667623-G-A.
Other names: c.1208C>T, p.Thr403Ile (NM_001318057.2, NM_001375278.1); c.1163C>T, p.Thr388Ile (NM_001331035.2, NM_001375280.1, NM_001375282.1); c.1184C>T, p.Thr395Ile (NM_001375279.1, NM_001375281.1); c.1127C>T, p.Thr376Ile (NM_001375283.1); c.575C>T, p.Thr192Ile (NM_001375284.1); short protein forms T376I, T388I, T395I, T192I, T403I.
Identifiers: ClinVar variation 2322971 (VCV002322971.4), dbSNP rs1724465307, ClinGen allele CA357857638.

ClinVar aggregate classification (germline): Uncertain significance. Review status: criteria provided, multiple submitters, no conflicts (2 of 4 stars). 2 submissions from 2 submitters: Uncertain significance (2). Last evaluated 2024-02-23.

Conditions:
Inborn genetic diseases. Identifiers: MedGen C0950123, MeSH D030342.

Allele frequency attached by ClinVar (database versions not stated): gnomAD exomes below 0.00001; TOPMed below 0.00001.
gnomAD v4.1: 3 of 1,612,756 alleles (0.00019%); highest among the groups gnomAD compares: Non-Finnish European, 0.00025%; no homozygotes.

Submissions (2):

Labcorp Genetics (formerly Invitae), Labcorp
Classification: Uncertain significance. Last evaluated: 2024-02-23. Review status: criteria provided, single submitter. Criteria: Invitae Variant Classification Sherloc (09022015). Collection method: clinical testing. Allele origin: germline.
Comment: This sequence change replaces threonine, which is neutral and polar, with isoleucine, which is neutral and non-polar, at codon 395 of the CFI protein (p.Thr395Ile). This variant is not present in population databases (gnomAD no frequency). This variant has not been reported in the literature in individuals affected with CFI-related conditions. ClinVar contains an entry for this variant (Variation ID: 2322971). Advanced modeling of protein sequence and biophysical properties (such as structural, functional, and spatial information, amino acid conservation, physicochemical variation, residue mobility, and thermodynamic stability) performed at Invitae indicates that this missense variant is not expected to disrupt CFI protein function with a negative predictive value of 80%. In summary, the available evidence is currently insufficient to determine the role of this variant in disease. Therefore, it has been classified as a Variant of Uncertain Significance.

Ambry Genetics
Classification: Uncertain significance for Inborn genetic diseases. Last evaluated: 2022-11-08. Review status: criteria provided, single submitter. Criteria: Ambry Variant Classification Scheme 2023. Collection method: clinical testing. Allele origin: germline.